The following is an entry in ClinVar:

NM_001281740.3(FHOD3):c.3591G>C (p.Met1197Ile)

Gene: FHOD3 (formin homology 2 domain containing 3; plus strand). Cytogenetic location: 18q12.2.
Variant type: single nucleotide variant.
Coding change: c.3591G>C on transcript NM_001281740.3 (MANE Select); coding-DNA position 3591, G replaced by C.
Protein change: p.Met1197Ile; replaces methionine 1197 with isoleucine.
Molecular consequence: missense variant.
Genome position (GRCh38, 1-based): chr18:36,740,670, G>C. VCF-style: chr18-36740670-G-C. GRCh37 (hg19) VCF-style: chr18-34320633-G-C.
Other names: c.3015G>C, p.Met1005Ile (NM_001281739.3); c.3066G>C, p.Met1022Ile (NM_025135.5); short protein forms M1005I, M1022I, M1197I.
Identifiers: ClinVar variation 3252708 (VCV003252708.1), dbSNP rs2520368993.

ClinVar aggregate classification (germline): Uncertain significance (1 of 4 stars; one submission).

Submission:

GeneDx
Classification: Uncertain significance. Last evaluated: 2023-10-16. Review status: criteria provided, single submitter. Criteria: GeneDx Variant Classification Process June 2021. Collection method: clinical testing. Allele origin: germline. Affected: yes.
Comment: Not observed at significant frequency in large population cohorts (gnomAD); In silico analysis supports that this missense variant has a deleterious effect on protein structure/function; Has not been previously published as pathogenic or benign to our knowledge